The following is an entry in ClinVar:

NM_000383.4(AIRE):c.1401-10T>G

Gene: AIRE (autoimmune regulator; plus strand). Cytogenetic location: 21q22.3.
Variant type: single nucleotide variant.
Coding change: c.1401-10T>G on transcript NM_000383.4 (MANE Select); 10 bases into the intron before coding-DNA position 1401, T replaced by G.
Molecular consequence: intron variant.
Genome position (GRCh38, 1-based): chr21:44,294,391, T>G. VCF-style: chr21-44294391-T-G. GRCh37 (hg19) VCF-style: chr21-45714274-T-G.
Identifiers: ClinVar variation 2160930 (VCV002160930.2), dbSNP rs1479994701, ClinGen allele CA749684028.

ClinVar aggregate classification (germline): Uncertain significance (1 of 4 stars; one submission).

Conditions:
Polyglandular autoimmune syndrome, type 1 (APS1). Also called: PGA I; AUTOIMMUNE POLYENDOCRINE SYNDROME, TYPE I, WITH OR WITHOUT REVERSIBLE METAPHYSEAL DYSPLASIA; APS I; Autoimmune polyendocrinopathy syndrome , type I, with or without reversible metaphyseal dysplasia; Whitaker syndrome; HYPOADRENOCORTICISM WITH HYPOPARATHYROIDISM AND SUPERFICIAL MONILIASIS. Identifiers: Orphanet 3453, MedGen C0085859, MONDO:0009411, OMIM 240300.

Allele frequency attached by ClinVar (database versions not stated): TOPMed below 0.00001.

Submission:

Labcorp Genetics (formerly Invitae), Labcorp
Classification: Uncertain significance for Polyglandular autoimmune syndrome, type 1. Last evaluated: 2025-02-04. Review status: criteria provided, single submitter. Criteria: Invitae Variant Classification Sherloc (09022015). Collection method: clinical testing. Allele origin: germline.
Comment: This sequence change falls in intron 11 of the AIRE gene. It does not directly change the encoded amino acid sequence of the AIRE protein. This variant is not present in population databases (gnomAD no frequency). This variant has not been reported in the literature in individuals affected with AIRE-related conditions. ClinVar contains an entry for this variant (Variation ID: 2160930). Algorithms developed to predict the effect of sequence changes on RNA splicing suggest that this variant may disrupt the consensus splice site. In summary, the available evidence is currently insufficient to determine the role of this variant in disease. Therefore, it has been classified as a Variant of Uncertain Significance.